The following is an entry in ClinVar:

ClinVar aggregate classification (germline): Pathogenic/Likely pathogenic. Review status: criteria provided, multiple submitters, no conflicts (2 of 4 stars). 10 submissions from 10 submitters: Pathogenic (6); Likely pathogenic (1). 3 of the submissions do not count toward it. Last evaluated 2025-09-08.

Conditions:
Paediatric disorders.
PTPN11-related disorder. Also called: PTPN11-Related Disorders.
RASopathy. Also called: Noonan spectrum disorder; rasopathies. Identifiers: Orphanet 536391, MedGen C5555857, MONDO:0021060.
Noonan syndrome 1 (NS1). Also called: PTPN11-Related Noonan Syndrome; FEMALE PSEUDO-TURNER SYNDROME; TURNER PHENOTYPE WITH NORMAL KARYOTYPE. Identifiers: Orphanet 648, MedGen C4551602, MONDO:0008104, OMIM 163950. Disease mechanism: gain of function.
Noonan syndrome (NS). Also called: Noonan's syndrome. Identifiers: Orphanet 648, MedGen C0028326, MeSH D009634, MONDO:0018997. Disease mechanism: gain of function.

Allele frequency attached by ClinVar (database versions not stated): gnomAD exomes below 0.00001; gnomAD 0.00003 and 0.00001.
gnomAD v4.1: 2 of 1,613,744 alleles (0.00012%); highest among the groups gnomAD compares: East Asian, 0.0022%; no homozygotes.

Submissions (10):

Victorian Clinical Genetics Services, Murdoch Childrens Research Institute
Classification: Pathogenic for Noonan syndrome 1. Last evaluated: 2025-09-08. Review status: criteria provided, single submitter. Criteria: ACMG Guidelines, 2015. Collection method: clinical testing. Allele origin: germline. Affected: yes.
Comment: This variant is classified as Pathogenic. Evidence in support of pathogenic classification: Variant is present in gnomAD <0.001 for a dominant condition (v4: 2 heterozygote(s), 0 homozygote(s)); This variant has strong previous evidence of pathogenicity in unrelated individuals. This variant has been classified as likely pathogenic/pathogenic by multiple clinical laboratories in ClinVar, and once as a VUS. Additionally, it has been reported in the literature in many individuals with Noonan syndrome, with some cases being de novo (DECIPHER, PMID: 24225993, 35666834, 35574990, 33042901); Missense variant predicted to be damaging by in silico tool(s) or highly conserved with a major amino acid change. Additional information: Variant is predicted to result in a missense amino acid change from Asn to Tyr; This variant is heterozygous; This gene is associated with autosomal dominant disease; Variant is not located in an established domain, motif, hotspot or informative constraint region; Both loss of function and gain of function are known mechanisms of disease for this gene. Metachondromatosis (MIM#156250) and Noonan syndrome with multiple lentigines (MIM#151100) have been associated with loss of function variants, whereas Noonan syndrome 1 (MIM#163950) is caused by gain of function variants (PMID: 11992261, 24935154, 21533187; ClinGen).

North West Genomic Laboratory Hub, Manchester University NHS Foundation Trust
Classification: Pathogenic for Paediatric disorders. Last evaluated: 2025-08-29. Review status: criteria provided, single submitter. Criteria: ACGS Best Practice Guidelines for Variant Classification in Rare Disease 2024. Collection method: clinical testing. Allele origin: germline. Affected: yes.
Comment: PP3_Supp PS2_VStr PP2_Supp

Labcorp Genetics (formerly Invitae), Labcorp
Classification: Pathogenic for RASopathy. Last evaluated: 2025-02-08. Review status: criteria provided, single submitter. Criteria: Invitae Variant Classification Sherloc (09022015). Collection method: clinical testing. Allele origin: germline.
Comment: This sequence change replaces asparagine, which is neutral and polar, with tyrosine, which is neutral and polar, at codon 200 of the PTPN11 protein (p.Asn200Tyr). This variant is present in population databases (rs727503381, gnomAD 0.1%). This missense change has been observed in individual(s) with clinical features of PTPN11-related conditions and/or Noonan syndrome (PMID: 24225993, 30417923, 31941532, 33042901, 33057194, 35574990, 35982159). In at least one individual the variant was observed to be de novo. ClinVar contains an entry for this variant (Variation ID: 164998). Invitae Evidence Modeling of protein sequence and biophysical properties (such as structural, functional, and spatial information, amino acid conservation, physicochemical variation, residue mobility, and thermodynamic stability) has been performed for this missense variant. However, the output from this modeling did not meet the statistical confidence thresholds required to predict the impact of this variant on PTPN11 protein function. For these reasons, this variant has been classified as Pathogenic.

Blueprint Genetics
Classification: Pathogenic for PTPN11-related disorders. Last evaluated: 2023-10-21. Review status: criteria provided, single submitter. Criteria: ACMG Guidelines, 2015. Collection method: clinical testing. Allele origin: germline. Affected: yes. Observed: 1 variant allele.

GeneDx
Classification: Pathogenic. Last evaluated: 2023-02-10. Review status: criteria provided, single submitter. Criteria: GeneDx Variant Classification Process June 2021. Collection method: clinical testing. Allele origin: germline. Affected: yes.
Comment: Missense variants in this gene are often considered pathogenic (HGMD); In silico analysis supports that this missense variant has a deleterious effect on protein structure/function; This variant is associated with the following publications: (PMID: 33771761, 24225993, 28991257, 33042901, 32368696, 30417923)

Institute of Medical Genetics and Applied Genomics, University Hospital Tübingen
Classification: Likely pathogenic. Last evaluated: 2020-10-23. Review status: criteria provided, single submitter. Criteria: ACMG Guidelines, 2015. Collection method: clinical testing. Allele origin: germline. Inheritance: Unknown mechanism. Affected: yes.

Laboratory for Molecular Medicine, Mass General Brigham Personalized Medicine
Classification: Pathogenic for Noonan syndrome. Last evaluated: 2015-01-08. Review status: criteria provided, single submitter. Criteria: LMM Criteria. Collection method: clinical testing. Allele origin: germline. Inheritance: Autosomal dominant inheritance. Observed: 2 variant alleles.
Comment: This variant was reported to have occurred de novo in the proband's mother. It has also been identified i n two individuals with clinical features of Noonan syndrome by our laboratory. T his variant was absent from large population studies. In summary, this variant m eets our criteria to be classified as pathogenic (alizedmedicine/LMM).

Molecular Genetics Laboratory, BC Children's and BC Women's Hospitals
Classification: Pathogenic for Noonan syndrome 1. Last evaluated: 2025-12-11. Review status: no assertion criteria provided. Criteria: ACMG Guidelines, 2015. Collection method: clinical testing. Allele origin: de novo. Affected: yes. Not counted in ClinVar's aggregate classification.

PreventionGenetics, part of Exact Sciences
Classification: Pathogenic for PTPN11-related condition. Last evaluated: 2024-06-20. Review status: no assertion criteria provided. Collection method: clinical testing. Allele origin: germline. Not counted in ClinVar's aggregate classification.
Comment: The PTPN11 c.598A>T variant is predicted to result in the amino acid substitution p.Asn200Tyr. This variant has been reported, often arising de novo, in individuals with Noonan syndrome (see for examples: Carapito et al. 2014. PubMed ID: 24225993; Ferriero et al. 2020. PubMed ID: 33042901; Dufke et al. 2022. PubMed ID: 35574990). This variant is reported in 0.12% of alleles in individuals of Latino descent in gnomAD; however, the total allele number for this dataset is relatively small and larger updated datasets report a highest allele frequency of of 0.002%. Given the evidence, we interpret this variant as pathogenic.

Service de Génétique Moléculaire, Hôpital Robert Debré
Classification: Uncertain significance for Noonan syndrome. Review status: flagged submission. Collection method: clinical testing. Allele origin: unknown. Affected: yes. Not counted in ClinVar's aggregate classification.
ClinVar note: Reason: Outlier claim with insufficient supporting evidence

Literature cited by the submitters: PubMed 24225993 (cited by 3 submitters); PubMed 33042901 (cited by Victorian Clinical Genetics Services, Murdoch Childrens Research Institute and Labcorp Genetics (formerly Invitae), Labcorp); PubMed 11992261 (cited by Victorian Clinical Genetics Services, Murdoch Childrens Research Institute); PubMed 35666834 (cited by Victorian Clinical Genetics Services, Murdoch Childrens Research Institute); PubMed 35574990 (cited by Victorian Clinical Genetics Services, Murdoch Childrens Research Institute and Labcorp Genetics (formerly Invitae), Labcorp); PubMed 21533187 (cited by Victorian Clinical Genetics Services, Murdoch Childrens Research Institute); PubMed 24935154 (cited by Victorian Clinical Genetics Services, Murdoch Childrens Research Institute); PubMed 30417923 (cited by Labcorp Genetics (formerly Invitae), Labcorp); PubMed 31941532 (cited by Labcorp Genetics (formerly Invitae), Labcorp); PubMed 33057194 (cited by Labcorp Genetics (formerly Invitae), Labcorp); PubMed 35982159 (cited by Labcorp Genetics (formerly Invitae), Labcorp).

NM_002834.5(PTPN11):c.598A>T (p.Asn200Tyr)

Gene: PTPN11 (protein tyrosine phosphatase non-receptor type 11; plus strand). Cytogenetic location: 12q24.13.
Variant type: single nucleotide variant.
Coding change: c.598A>T on transcript NM_002834.5 (MANE Select); coding-DNA position 598, A replaced by T.
Protein change: p.Asn200Tyr; replaces asparagine 200 with tyrosine.
Molecular consequence: missense variant.
Genome position (GRCh38, 1-based): chr12:112,454,636, A>T. VCF-style: chr12-112454636-A-T. GRCh37 (hg19) VCF-style: chr12-112892440-A-T.
Other names: c.598A>T, p.Asn200Tyr (NM_001330437.2, NM_080601.3); c.595A>T, p.Asn199Tyr (NM_001374625.1); short protein forms N200Y, N199Y.
Identifiers: ClinVar variation 164998 (VCV000164998.20), dbSNP rs727503381, ClinGen allele CA273218.
Genomic context (GRCh38, chr12:112,454,636, plus strand): 5'-GACGTTGGTGGAGGAGAACGGTTTGATTCTTTGACAGATCTTGTGGAACATTATAAGAAG[A>T]ATCCTATGGTGGAAACATTGGGTACAGTACTACAACTCAAGCAGGTGAGCAGATTGGAAA-3'
Protein context (NP_002825.3, residues 190-210): LTDLVEHYKK[Asn200Tyr]PMVETLGTVL